The following is an entry in ClinVar:

NM_003718.5(CDK13):c.3889G>A (p.Gly1297Arg)

Gene: CDK13 (cyclin dependent kinase 13; plus strand). Cytogenetic location: 7p14.1.
Variant type: single nucleotide variant.
Coding change: c.3889G>A on transcript NM_003718.5 (MANE Select); coding-DNA position 3889, G replaced by A.
Protein change: p.Gly1297Arg; replaces glycine 1297 with arginine.
Molecular consequence: missense variant.
Genome position (GRCh38, 1-based): chr7:40,094,330, G>A. VCF-style: chr7-40094330-G-A. GRCh37 (hg19) VCF-style: chr7-40133929-G-A.
Other names: c.3709G>A, p.Gly1237Arg (NM_031267.4); short protein forms G1237R, G1297R.
Identifiers: ClinVar variation 2182712 (VCV002182712.4), dbSNP rs139367044, ClinGen allele CA4229032.

ClinVar aggregate classification (germline): Uncertain significance (1 of 4 stars; one submission).

Allele frequency attached by ClinVar (database versions not stated): gnomAD 0.00001; gnomAD exomes 0.00001; TOPMed 0.00001; ExAC 0.00006; 1000 Genomes Project 0.00040; 1000 Genomes Project 30x 0.00047.
gnomAD v4.1: 15 of 1,613,586 alleles (0.00093%); highest among the groups gnomAD compares: Admixed American, 0.01%; no homozygotes.

Submission:

Labcorp Genetics (formerly Invitae), Labcorp
Classification: Uncertain significance. Last evaluated: 2022-09-14. Review status: criteria provided, single submitter. Criteria: Invitae Variant Classification Sherloc (09022015). Collection method: clinical testing. Allele origin: germline.
Comment: This sequence change replaces glycine, which is neutral and non-polar, with arginine, which is basic and polar, at codon 1297 of the CDK13 protein (p.Gly1297Arg). This variant is present in population databases (rs139367044, gnomAD 0.01%). This variant has not been reported in the literature in individuals affected with CDK13-related conditions. Advanced modeling of protein sequence and biophysical properties (such as structural, functional, and spatial information, amino acid conservation, physicochemical variation, residue mobility, and thermodynamic stability) performed at Invitae indicates that this missense variant is not expected to disrupt CDK13 protein function. In summary, the available evidence is currently insufficient to determine the role of this variant in disease. Therefore, it has been classified as a Variant of Uncertain Significance.